The following is an entry in ClinVar:

NM_201253.3(CRB1):c.2826G>T (p.Val942=)

Gene: CRB1 (crumbs cell polarity complex component 1; plus strand). Cytogenetic location: 1q31.3.
Variant type: single nucleotide variant.
Coding change: c.2826G>T on transcript NM_201253.3 (MANE Select); coding-DNA position 2826, G replaced by T.
Protein change: p.Val942=; no amino-acid change (valine 942 retained).
Molecular consequence: synonymous variant. On other transcripts: non-coding transcript variant (2), intron variant (1).
Genome position (GRCh38, 1-based): chr1:197,429,598, G>T. VCF-style: chr1-197429598-G-T. GRCh37 (hg19) VCF-style: chr1-197398728-G-T.
Other names: c.2490G>T, p.Val830= (NM_001193640.2); c.2754G>T, p.Val918= (NM_001257965.2); c.2129-6002G>T (NM_001257966.2); c.2826G>T (NM_201253.2).
Identifiers: ClinVar variation 989647 (VCV000989647.10), dbSNP rs781176401, ClinGen allele CA1312215.

ClinVar aggregate classification (germline): Likely benign. Review status: criteria provided, multiple submitters, no conflicts (2 of 4 stars). 3 submissions from 3 submitters: Likely benign (2). 1 of the submissions does not count toward it. Last evaluated 2025-04-28.

Conditions:
CRB1-related disorder. Also called: CRB1-related disorders; CRB1-related condition.
Retinitis pigmentosa 12 (RP12). Also called: RP WITH OR WITHOUT PRESERVED PARAARTERIOLE RETINAL PIGMENT EPITHELIUM; RETINITIS PIGMENTOSA WITH OR WITHOUT PARAARTERIOLAR PRESERVATION OF RETINAL PIGMENT EPITHELIUM; RP WITH OR WITHOUT PPRPE. Identifiers: Orphanet 791, MedGen C1838647, MONDO:0010818, OMIM 600105.
Leber congenital amaurosis 8 (LCA8). Identifiers: Orphanet 65, MedGen C3151202, MONDO:0013453, OMIM 613835.
Leber congenital amaurosis (LCA). Also called: Leber's amaurosis. Identifiers: Orphanet 65, MedGen C0339527, MeSH D057130, MONDO:0018998.

Allele frequency attached by ClinVar (database versions not stated): TOPMed 0.00003; ExAC 0.00006; gnomAD exomes 0.00006.
gnomAD v4.1: 19 of 1,613,962 alleles (0.0012%); highest among the groups gnomAD compares: Admixed American, 0.03%; no homozygotes.

Submissions (3):

PreventionGenetics, part of Exact Sciences
Classification: Likely benign for CRB1-related condition. Last evaluated: 2025-04-28. Review status: criteria provided, single submitter. Criteria: ACMG Guidelines, 2015. Collection method: clinical testing. Allele origin: germline.
Comment: This variant is classified as likely benign based on ACMG/AMP sequence variant interpretation guidelines (Richards et al. 2015 PMID: 25741868, with internal and published modifications).

Labcorp Genetics (formerly Invitae), Labcorp
Classification: Likely benign for Leber congenital amaurosis 8; Retinitis pigmentosa 12. Last evaluated: 2024-02-24. Review status: criteria provided, single submitter. Criteria: Invitae Variant Classification Sherloc (09022015). Collection method: clinical testing. Allele origin: germline.

Natera, Inc.
Classification: Uncertain significance for Leber congenital amaurosis. Last evaluated: 2020-08-13. Review status: no assertion criteria provided. Collection method: clinical testing. Allele origin: germline. Not counted in ClinVar's aggregate classification.